The following is an entry in ClinVar:

NM_020702.5(MYORG):c.320G>C (p.Gly107Ala)

Gene: MYORG (myogenesis regulating glycosidase; minus strand). Cytogenetic location: 9p13.3.
Variant type: single nucleotide variant.
Coding change: c.320G>C on transcript NM_020702.5 (MANE Select); coding-DNA position 320, G replaced by C.
Protein change: p.Gly107Ala; replaces glycine 107 with alanine.
Molecular consequence: missense variant.
Genome position (GRCh38, 1-based): chr9:34,372,624, C>G on the plus strand (G>C on the coding strand, the complement: MYORG is on the minus strand). VCF-style: chr9-34372624-C-G. GRCh37 (hg19) VCF-style: chr9-34372622-C-G.
Other names: short protein forms G107A.
Identifiers: ClinVar variation 1681325 (VCV001681325.7), dbSNP rs373554419, ClinGen allele CA192626960.

ClinVar aggregate classification (germline): Uncertain significance (1 of 4 stars; one submission).

Submission:

Labcorp Genetics (formerly Invitae), Labcorp
Classification: Uncertain significance. Last evaluated: 2022-07-11. Review status: criteria provided, single submitter. Criteria: Invitae Variant Classification Sherloc (09022015). Collection method: clinical testing. Allele origin: germline.
Comment: This variant has not been reported in the literature in individuals affected with KIAA1161-related conditions. This sequence change replaces glycine, which is neutral and non-polar, with alanine, which is neutral and non-polar, at codon 107 of the KIAA1161 protein (p.Gly107Ala). This variant is not present in population databases (gnomAD no frequency). ClinVar contains an entry for this variant (Variation ID: 1681325). Algorithms developed to predict the effect of missense changes on protein structure and function are either unavailable or do not agree on the potential impact of this missense change (SIFT: "Tolerated"; PolyPhen-2: "Not Available"; Align-GVGD: "Class C0"). In summary, the available evidence is currently insufficient to determine the role of this variant in disease. Therefore, it has been classified as a Variant of Uncertain Significance.